The following is an entry in ClinVar:

ClinVar aggregate classification (germline): Uncertain significance (1 of 4 stars; one submission).

Conditions:
Dilated cardiomyopathy 1J (CMD1J). Also called: CARDIOMYOPATHY, DILATED, WITH SENSORINEURAL HEARING LOSS, AUTOSOMAL DOMINANT. Identifiers: Orphanet 217622, MedGen C1854368, MONDO:0011541, OMIM 605362.
Autosomal dominant nonsyndromic hearing loss 10. Identifiers: Orphanet 90635, MedGen C1832476, MONDO:0011031, OMIM 601316.

Submission:

Labcorp Genetics (formerly Invitae), Labcorp
Classification: Uncertain significance for Dilated cardiomyopathy 1J. Last evaluated: 2024-04-29. Review status: criteria provided, single submitter. Criteria: Invitae Variant Classification Sherloc (09022015). Collection method: clinical testing. Allele origin: germline.
Comment: This sequence change replaces glycine, which is neutral and non-polar, with alanine, which is neutral and non-polar, at codon 196 of the EYA4 protein (p.Gly196Ala). This variant is not present in population databases (gnomAD no frequency). This variant has not been reported in the literature in individuals affected with EYA4-related conditions. ClinVar contains an entry for this variant (Variation ID: 2083345). An algorithm developed to predict the effect of missense changes on protein structure and function (PolyPhen-2) suggests that this variant is likely to be disruptive. In summary, the available evidence is currently insufficient to determine the role of this variant in disease. Therefore, it has been classified as a Variant of Uncertain Significance.

NM_004100.5(EYA4):c.587G>C (p.Gly196Ala)

Gene: EYA4 (EYA transcriptional coactivator and phosphatase 4; plus strand). Cytogenetic location: 6q23.2.
Variant type: single nucleotide variant.
Coding change: c.587G>C on transcript NM_004100.5 (MANE Select); coding-DNA position 587, G replaced by C.
Protein change: p.Gly196Ala; replaces glycine 196 with alanine.
Molecular consequence: missense variant.
Genome position (GRCh38, 1-based): chr6:133,462,627, G>C. VCF-style: chr6-133462627-G-C. GRCh37 (hg19) VCF-style: chr6-133783765-G-C.
Other names: c.587G>C (NM_004100.4); c.425G>C, p.Gly142Ala (NM_001301012.2, NM_001370459.1); c.587G>C, p.Gly196Ala (NM_001301013.2, NM_172105.4); c.518G>C, p.Gly173Ala (NM_001370458.1, NM_172103.4); short protein forms G142A, G196A, G173A.
Identifiers: ClinVar variation 2083345 (VCV002083345.5), dbSNP rs776796938, ClinGen allele CA365698723.